The following is an entry in ClinVar:

NM_025179.4(PLXNA2):c.1674G>A (p.Gln558=)

Gene: PLXNA2 (plexin A2; minus strand). Cytogenetic location: 1q32.2.
Variant type: single nucleotide variant.
Coding change: c.1674G>A on transcript NM_025179.4 (MANE Select); coding-DNA position 1674, G replaced by A.
Protein change: p.Gln558=; no amino-acid change (glutamine 558 retained).
Molecular consequence: synonymous variant.
Genome position (GRCh38, 1-based): chr1:208,098,903, C>T on the plus strand (G>A on the coding strand, the complement: PLXNA2 is on the minus strand). VCF-style: chr1-208098903-C-T. GRCh37 (hg19) VCF-style: chr1-208272248-C-T.
Other names: c.1674G>A (NM_025179.3).
Identifiers: ClinVar variation 2726978 (VCV002726978.5), dbSNP rs775255264, ClinGen allele CA36709972.

ClinVar aggregate classification (germline): Likely benign. Review status: criteria provided, single submitter (1 of 4 stars). 2 submissions from 2 submitters: Likely benign (1). 1 of the submissions does not count toward it. Last evaluated 2023-05-05.

Conditions:
PLXNA2-related disorder. Also called: PLXNA2-related condition.

Allele frequency attached by ClinVar (database versions not stated): TOPMed below 0.00001; gnomAD 0.00001.

Submissions (2):

Labcorp Genetics (formerly Invitae), Labcorp
Classification: Likely benign. Last evaluated: 2023-05-05. Review status: criteria provided, single submitter. Criteria: Invitae Variant Classification Sherloc (09022015). Collection method: clinical testing. Allele origin: germline.

PreventionGenetics, part of Exact Sciences
Classification: Likely benign for PLXNA2-related condition. Last evaluated: 2022-01-19. Review status: no assertion criteria provided. Collection method: clinical testing. Allele origin: germline. Not counted in ClinVar's aggregate classification.
Comment: This variant is classified as likely benign based on ACMG/AMP sequence variant interpretation guidelines (Richards et al. 2015 PMID: 25741868, with internal and published modifications).